The following is an entry in ClinVar:

ClinVar aggregate classification (germline): Pathogenic (1 of 4 stars; one submission).

Submission:

ARUP Laboratories, Molecular Genetics and Genomics, ARUP Laboratories
Classification: Pathogenic. Last evaluated: 2025-04-17. Review status: criteria provided, single submitter. Criteria: ARUP Molecular Germline Variant Investigation Process 2024. Collection method: clinical testing. Allele origin: germline.
Comment: The SOX9 c.432-2A>G variant (rs1908139210) is reported in the literature in one individual affected with campomelic dysplasia (Mattos 2015). This variant is also absent from the Genome Aggregation Database (v2.1.1), indicating it is not a common polymorphism. This variant disrupts the canonical splice acceptor site of intron one, which is likely to negatively impact gene function. Based on available information, this variant is considered to be pathogenic. References: Mattos EP et al. Clinical and molecular characterization of a Brazilian cohort of campomelic dysplasia patients, and identification of seven new SOX9 mutations. Genet Mol Biol. 2015 Mar;38(1):14-20. PMID: 25983619.

NM_000346.4(SOX9):c.432-2A>G

Gene: SOX9 (SRY-box transcription factor 9; plus strand). Cytogenetic location: 17q24.3.
Variant type: single nucleotide variant.
Coding change: c.432-2A>G on transcript NM_000346.4 (MANE Select); the canonical splice acceptor site of the intron before coding-DNA position 432, A replaced by G.
Molecular consequence: splice acceptor variant.
Genome position (GRCh38, 1-based): chr17:72,122,717, A>G. VCF-style: chr17-72122717-A-G. GRCh37 (hg19) VCF-style: chr17-70118858-A-G.
Identifiers: ClinVar variation 4685764 (VCV004685764.1).
Genomic context (GRCh38, chr17:72,122,717, plus strand): 5'-TGGCGGATTTCACTGACCCCTCTCCCTCTTTTTCTCTGTGCCCCCCGCCCCGCCCCGAGC[A>G]GACTTCTGAACGAGAGCGAGAAGCGGCCCTTCGTGGAGGAGGCGGAGCGGCTGCGCGTGC-3'